The following is an entry in ClinVar:

ClinVar aggregate classification (germline): Uncertain significance (1 of 4 stars; one submission).

Conditions:
Rhabdoid tumor predisposition syndrome 2 (RTPS2). Identifiers: Orphanet 231108, Orphanet 69077, MedGen C2750074, MONDO:0013224, OMIM 613325.

Submission:

Labcorp Genetics (formerly Invitae), Labcorp
Classification: Uncertain significance for Rhabdoid tumor predisposition syndrome 2. Last evaluated: 2023-01-24. Review status: criteria provided, single submitter. Criteria: Invitae Variant Classification Sherloc (09022015). Collection method: clinical testing. Allele origin: germline.
Comment: In summary, the available evidence is currently insufficient to determine the role of this variant in disease. Therefore, it has been classified as a Variant of Uncertain Significance. Advanced modeling of protein sequence and biophysical properties (such as structural, functional, and spatial information, amino acid conservation, physicochemical variation, residue mobility, and thermodynamic stability) has been performed at Invitae for this missense variant, however the output from this modeling did not meet the statistical confidence thresholds required to predict the impact of this variant on SMARCA4 protein function. This variant has not been reported in the literature in individuals affected with SMARCA4-related conditions. This variant is not present in population databases (gnomAD no frequency). This sequence change replaces glutamic acid, which is acidic and polar, with glutamine, which is neutral and polar, at codon 365 of the SMARCA4 protein (p.Glu365Gln).

NM_003072.5(SMARCA4):c.1093G>C (p.Glu365Gln)

Gene: SMARCA4 (SWI/SNF related BAF chromatin remodeling complex subunit ATPase 4; plus strand). Cytogenetic location: 19p13.2.
Variant type: single nucleotide variant.
Coding change: c.1093G>C on transcript NM_003072.5 (MANE Select); coding-DNA position 1093, G replaced by C.
Protein change: p.Glu365Gln; replaces glutamic acid 365 with glutamine.
Molecular consequence: missense variant. On other transcripts: non-coding transcript variant (1).
Genome position (GRCh38, 1-based): chr19:10,987,899, G>C. VCF-style: chr19-10987899-G-C. GRCh37 (hg19) VCF-style: chr19-11098575-G-C.
Other names: c.1093G>C, p.Glu365Gln (NM_001128844.3, NM_001128845.2, NM_001128846.2 and 6 more transcripts); short protein forms E365Q.
Identifiers: ClinVar variation 2831394 (VCV002831394.3), dbSNP rs2145822124, ClinGen allele CA404058871.